The following is an entry in ClinVar:

NM_001366686.3(SIK3):c.3292G>A (p.Ala1098Thr)

Gene: SIK3 (SIK family kinase 3; minus strand). Cytogenetic location: 11q23.3.
Variant type: single nucleotide variant.
Coding change: c.3292G>A on transcript NM_001366686.3 (MANE Select); coding-DNA position 3292, G replaced by A.
Protein change: p.Ala1098Thr; replaces alanine 1098 with threonine.
Molecular consequence: missense variant.
Genome position (GRCh38, 1-based): chr11:116,858,173, C>T on the plus strand (G>A on the coding strand, the complement: SIK3 is on the minus strand). VCF-style: chr11-116858173-C-T. GRCh37 (hg19) VCF-style: chr11-116728889-C-T.
Other names: c.2491G>A, p.Ala831Thr (NM_001281748.3); c.2968G>A, p.Ala990Thr (NM_001281749.3); c.3148G>A, p.Ala1050Thr (NM_025164.6); short protein forms A1098T, A1050T, A990T, A831T.
Identifiers: ClinVar variation 768487 (VCV000768487.7), dbSNP rs56247967, ClinGen allele CA6290188.

ClinVar aggregate classification (germline): Benign/Likely benign. Review status: criteria provided, multiple submitters, no conflicts (2 of 4 stars). 4 submissions from 4 submitters: Benign (2); Likely benign (1). 1 of the submissions does not count toward it. Last evaluated 2021-11-11.

Conditions:
SIK3-related disorder. Also called: SIK3-related condition.
Spondyloepimetaphyseal dysplasia, Krakow type. Also called: IMMUNOOSSEOUS DYSPLASIA, KRAKOW TYPE. Identifiers: MedGen C4748455, MONDO:0032571, OMIM 618162.

Allele frequency attached by ClinVar (database versions not stated): gnomAD exomes 0.00205 and 0.00521; ExAC 0.00618; gnomAD 0.01774 and 0.01883; ESP Exome Variant Server 0.01839; TOPMed 0.01996; 1000 Genomes Project 0.02196; 1000 Genomes Project 30x 0.02358.
gnomAD v4.1: 5,856 of 1,614,060 alleles (0.36%); highest among the groups gnomAD compares: African/African-American, 5.9%; 143 homozygotes.

Submissions (4):

Fulgent Genetics
Classification: Likely benign for Spondyloepimetaphyseal dysplasia, Krakow type. Last evaluated: 2021-11-11. Review status: criteria provided, single submitter. Criteria: ACMG Guidelines, 2015. Collection method: clinical testing. Allele origin: unknown.

Labcorp Genetics (formerly Invitae), Labcorp
Classification: Benign. Last evaluated: 2018-05-14. Review status: criteria provided, single submitter. Criteria: Invitae Variant Classification Sherloc (09022015). Collection method: clinical testing. Allele origin: germline.

Breakthrough Genomics
Classification: Benign. Review status: criteria provided, single submitter. Criteria: ACMG Guidelines, 2015. Collection method: not provided. Allele origin: germline. Inheritance: Autosomal recessive inheritance. Affected: yes.

PreventionGenetics, part of Exact Sciences
Classification: Benign for SIK3-related condition. Last evaluated: 2019-03-18. Review status: no assertion criteria provided. Collection method: clinical testing. Allele origin: germline. Not counted in ClinVar's aggregate classification.
Comment: This variant is classified as benign based on ACMG/AMP sequence variant interpretation guidelines (Richards et al. 2015 PMID: 25741868, with internal and published modifications).